The following is an entry in ClinVar:

ClinVar aggregate classification (germline): Uncertain significance (0 of 4 stars; one submission).

Submission:

Richard Lifton Laboratory, Yale University School of Medicine
Classification: Uncertain significance. Review status: no assertion criteria provided. Collection method: not provided. Allele origin: somatic.
Comment: OR9I1
ClinVar note: Converted during submission from unknown to Uncertain significance.

NM_001005211.2(OR9I1):c.218A>G (p.Tyr73Cys)

Genes: OR9I1 (olfactory receptor family 9 subfamily I member 1; minus strand), OR9Q1 (olfactory receptor family 9 subfamily Q member 1; plus strand). Cytogenetic location: 11q12.1.
Variant type: single nucleotide variant.
Coding change: c.218A>G on transcript NM_001005211.2 (MANE Select); coding-DNA position 218, A replaced by G.
Protein change: p.Tyr73Cys; replaces tyrosine 73 with cysteine.
Molecular consequence: missense variant. On other transcripts: intron variant (1).
Genome position (GRCh38, 1-based): chr11:58,119,227, T>C on the plus strand (A>G on the coding strand, the complement: OR9I1 is on the minus strand). VCF-style: chr11-58119227-T-C. GRCh37 (hg19) VCF-style: chr11-57886699-T-C.
Other names: c.-14-60204T>C (NM_001005212.4); short protein forms Y73C.
Identifiers: ClinVar variation 91923 (VCV000091923.2), dbSNP rs386352342, ClinGen allele CA232167.